The following is an entry in ClinVar:

ClinVar aggregate classification (germline): Uncertain significance (1 of 4 stars; one submission).

Conditions:
CSMD1-related disorder. Also called: CSMD1-related condition.

gnomAD v4.1: 3 of 1,611,582 alleles (0.00019%); highest among the groups gnomAD compares: Non-Finnish European, 0.00025%; no homozygotes.

Submission:

PreventionGenetics, part of Exact Sciences
Classification: Uncertain significance for CSMD1-related condition. Last evaluated: 2025-02-18. Review status: criteria provided, single submitter. Criteria: ACMG Guidelines, 2015. Collection method: clinical testing. Allele origin: germline.
Comment: The CSMD1 c.1690G>C variant is predicted to result in the amino acid substitution p.Val564Leu. To our knowledge, this variant has not been reported in the literature or in a large population database (gnomAD), indicating this variant is rare. At this time, the clinical significance of this variant is uncertain due to the absence of conclusive functional and genetic evidence.

NM_033225.6(CSMD1):c.1690G>C (p.Val564Leu)

Gene: CSMD1 (CUB and Sushi multiple domains 1; minus strand). Cytogenetic location: 8p23.2.
Variant type: single nucleotide variant.
Coding change: c.1690G>C on transcript NM_033225.6 (MANE Select); coding-DNA position 1690, G replaced by C.
Protein change: p.Val564Leu; replaces valine 564 with leucine.
Molecular consequence: missense variant.
Genome position (GRCh38, 1-based): chr8:3,409,477, C>G on the plus strand (G>C on the coding strand, the complement: CSMD1 is on the minus strand). VCF-style: chr8-3409477-C-G. GRCh37 (hg19) VCF-style: chr8-3266999-C-G.
Other names: short protein forms V564L.
Identifiers: ClinVar variation 5001395 (VCV005001395.1).
Genomic context (GRCh38, chr8:3,409,477, plus strand): 5'-ACTCACATACACAGCTGGGCTTGTTGCCAGACCACTGATTGTTCTGCTGACAGGTGATAA[C>G]TCTCTCCCCCACCAGCTCAAAGGCCGCCGGGCATTCAAAGGTGAGTGTATCTCCATGGAG-3'
Protein context (NP_150094.5, residues 554-574): PAAFELVGER[Val564Leu]ITCQQNNQWS